The following is an entry in ClinVar:

NM_001846.4(COL4A2):c.3258G>A (p.Ala1086=)

Gene: COL4A2 (collagen type IV alpha 2 chain; plus strand). Cytogenetic location: 13q34.
Variant type: single nucleotide variant.
Coding change: c.3258G>A on transcript NM_001846.4 (MANE Select); coding-DNA position 3258, G replaced by A.
Protein change: p.Ala1086=; no amino-acid change (alanine 1086 retained).
Molecular consequence: synonymous variant.
Genome position (GRCh38, 1-based): chr13:110,489,495, G>A. VCF-style: chr13-110489495-G-A. GRCh37 (hg19) VCF-style: chr13-111141842-G-A.
Identifiers: ClinVar variation 79302 (VCV000079302.18), dbSNP rs267603756, ClinGen allele CA7050133.
Genomic context (GRCh38, chr13:110,489,495, plus strand): 5'-CTGTCTTTAGGGTGACAAAGGTGCCCCAGGGAGAGCAGGCCTGTATGGCGAGATTGGCGC[G>A]ACTGGTGATTTCGGTGAGTGTTGCCCGTCCAGTGAAAACAGGGAGTCCACAATTCAGAGC-3'
Protein context (NP_001837.2, residues 1076-1096): GRAGLYGEIG[Ala1086=]TGDFGDIGDT

ClinVar aggregate classification (germline): Likely benign. Review status: criteria provided, multiple submitters, no conflicts (2 of 4 stars). 4 submissions from 4 submitters: Likely benign (4). Last evaluated 2025-04-01.

Conditions:
Hemorrhage, intracerebral, susceptibility to (ICH). Also called: Stroke, hemorrhagic, susceptibility to. Identifiers: MedGen C3281105, MONDO:0100533, OMIM 614519.
Brain small vessel disease 2A, autosomal dominant. Also called: Porencephaly 2. Identifiers: Orphanet 2940, Orphanet 99810, MedGen C3280970, MONDO:0013773, OMIM 614483.

Allele frequency attached by ClinVar (database versions not stated): gnomAD 0.00006; TOPMed 0.00008.
gnomAD v4.1: 169 of 1,614,062 alleles (0.01%); highest among the groups gnomAD compares: Non-Finnish European, 0.013%; no homozygotes.

Submissions (4):

CeGaT Center for Human Genetics Tuebingen
Classification: Likely benign. Last evaluated: 2025-04-01. Review status: criteria provided, single submitter. Criteria: CeGaT Center For Human Genetics Tuebingen Variant Classification Criteria Version 2. Collection method: clinical testing. Allele origin: germline. Affected: yes. Observed: 1 variant allele.
Comment: COL4A2: BP4, BP7

Labcorp Genetics (formerly Invitae), Labcorp
Classification: Likely benign. Last evaluated: 2024-07-01. Review status: criteria provided, single submitter. Criteria: Invitae Variant Classification Sherloc (09022015). Collection method: clinical testing. Allele origin: germline.

Blueprint Genetics
Classification: Likely benign. Last evaluated: 2023-11-16. Review status: criteria provided, single submitter. Criteria: ACMG Guidelines, 2015. Collection method: clinical testing. Allele origin: germline.

Fulgent Genetics
Classification: Likely benign for Brain small vessel disease 2A, autosomal dominant; Hemorrhage, intracerebral, susceptibility to. Last evaluated: 2021-10-05. Review status: criteria provided, single submitter. Criteria: ACMG Guidelines, 2015. Collection method: clinical testing. Allele origin: unknown.